The following is an entry in ClinVar:

NM_000540.3(RYR1):c.4582T>C (p.Phe1528Leu)

Gene: RYR1 (ryanodine receptor 1; plus strand). Cytogenetic location: 19q13.2.
Variant type: single nucleotide variant.
Coding change: c.4582T>C on transcript NM_000540.3 (MANE Select); coding-DNA position 4582, T replaced by C.
Protein change: p.Phe1528Leu; replaces phenylalanine 1528 with leucine.
Molecular consequence: missense variant.
Genome position (GRCh38, 1-based): chr19:38,478,562, T>C. VCF-style: chr19-38478562-T-C. GRCh37 (hg19) VCF-style: chr19-38969202-T-C.
Other names: c.4582T>C, p.Phe1528Leu (NM_001042723.2); short protein forms F1528L.
Identifiers: ClinVar variation 618863 (VCV000618863.8), dbSNP rs1568476341, ClinGen allele CA405647948.

ClinVar aggregate classification (germline): Uncertain significance (1 of 4 stars; one submission).

Submission:

ARUP Laboratories, Molecular Genetics and Genomics, ARUP Laboratories
Classification: Uncertain significance. Last evaluated: 2018-04-06. Review status: criteria provided, single submitter. Criteria: ARUP Molecular Germline Variant Investigation Process. Collection method: clinical testing. Allele origin: germline.
Comment: The p.Phe1528Leu variant has not been reported in the medical literature, gene specific variation databases including ClinVar, nor has it been previously identified by our laboratory. The p.Phe1528 is well conserved among species, and is located in the Ryanodine receptor, SPRY domain 3 (IPR035762).